The following is an entry in ClinVar:

ClinVar aggregate classification (germline): Pathogenic/Likely pathogenic. Review status: criteria provided, multiple submitters, no conflicts (2 of 4 stars). 3 submissions from 3 submitters: Pathogenic (2); Likely pathogenic (1). Last evaluated 2024-11-20.

Conditions:
DSG2-related disorders.
Arrhythmogenic right ventricular dysplasia 10. Also called: ARRHYTHMOGENIC RIGHT VENTRICULAR DYSPLASIA, FAMILIAL, 10; Arrhythmogenic right ventricular dysplasia/cardiomyopathy, type 10; Arrhythmogenic Right Ventricular Dysplasia/Cardiomyopathy10. Identifiers: MedGen C1857777, MONDO:0012434, OMIM 610193.

Submissions (3):

Blueprint Genetics
Classification: Likely pathogenic for DSG2-related disorders. Last evaluated: 2024-11-20. Review status: criteria provided, single submitter. Criteria: ACMG Guidelines, 2015. Collection method: clinical testing. Allele origin: germline. Affected: yes. Observed: 5 variant alleles.

Labcorp Genetics (formerly Invitae), Labcorp
Classification: Pathogenic for Arrhythmogenic right ventricular dysplasia 10. Last evaluated: 2024-10-23. Review status: criteria provided, single submitter. Criteria: Invitae Variant Classification Sherloc (09022015). Collection method: clinical testing. Allele origin: germline.
Comment: This sequence change creates a premature translational stop signal (p.Thr791Serfs*14) in the DSG2 gene. While this is not anticipated to result in nonsense mediated decay, it is expected to disrupt the last 328 amino acid(s) of the DSG2 protein. This variant is not present in population databases (gnomAD no frequency). This variant has not been reported in the literature in individuals affected with DSG2-related conditions. ClinVar contains an entry for this variant (Variation ID: 199831). This variant disrupts a region of the DSG2 protein in which other variant(s) (p.Glu1020Alafs*18) have been determined to be pathogenic (PMID: 20864495, 21397041, 23381804). This suggests that this is a clinically significant region of the protein, and that variants that disrupt it are likely to be disease-causing. For these reasons, this variant has been classified as Pathogenic.

GeneDx
Classification: Pathogenic. Last evaluated: 2014-10-30. Review status: criteria provided, single submitter. Criteria: GeneDx Variant Classification (06012015). Collection method: clinical testing. Allele origin: germline. Affected: yes.
Comment: At least 12% of patients with ARVC have been reported to have a mutation in the DSG2 gene (McNally E et al., 2009). Although the c.2372_2373delCA mutation in the DSG2 gene has not been reported to our knowledge, this mutation causes a shift in reading frame starting at codon Threonine 791, changing it to a Serine, and creating a premature stop codon at position 14 of the new reading frame, denoted p.Thr791SerfsX14. Other frameshift mutations in the DSG2 gene have been reported in association with ARVC

Literature cited by the submitters: PubMed 20864495 (cited by Labcorp Genetics (formerly Invitae), Labcorp); PubMed 21397041 (cited by Labcorp Genetics (formerly Invitae), Labcorp); PubMed 23381804 (cited by Labcorp Genetics (formerly Invitae), Labcorp).

NM_001943.5(DSG2):c.2372_2373del (p.Thr791fs)

Genes: DSG2 (desmoglein 2; plus strand), DSG2-AS1 (DSG2 antisense RNA 1; minus strand). Cytogenetic location: 18q12.1.
Variant type: Microsatellite.
Coding change: c.2372_2373del on transcript NM_001943.5 (MANE Select); coding-DNA positions 2372 to 2373, 2 bases deleted (CA; older notation c.2372_2373delCA).
Protein change: p.Thr791fs; shifts the reading frame from threonine 791.
Molecular consequence: frameshift variant. On other transcripts: non-coding transcript variant (1).
Genome position (GRCh38, 1-based): chr18:31,545,758-31,545,759, CA deleted; deleting any 2 consecutive bases within chr18:31,545,754-31,545,759 gives the same sequence; the c. name uses the placement nearest the transcript's 3' end. VCF-style (leftmost placement, unchanged base first): chr18-31545753-TCA-T. GRCh37 (hg19) VCF-style: chr18-29125716-TCA-T.
Other names: short protein forms T791fs.
Identifiers: ClinVar variation 199831 (VCV000199831.10), dbSNP rs794728098, ClinGen allele CA021775.
Genomic context (GRCh38, chr18:31,545,753, plus strand): 5'-TGTTTGTTTTGTTTTGTTTTCATTTTAGAAAGCGGCCTCTTACACTGAGGAAGATGAAAA[TCA>T]CACAGCCAAAGATTGCCTTCTGGTTTATTCTCAGGAAGAAACTGAATCGCTGAATGCTTC-3'